The following is an entry in ClinVar:

NM_004183.4(BEST1):c.1566_1576dup (p.His526delinsProTer)

Gene: BEST1 (bestrophin 1; plus strand). Cytogenetic location: 11q12.3.
Variant type: Duplication.
Coding change: c.1566_1576dup on transcript NM_004183.4 (MANE Select); coding-DNA positions 1566 to 1576, 11 bases duplicated (CTTGATGGAGC).
Protein change: p.His526delinsProTer.
Molecular consequence: nonsense. On other transcripts: frameshift variant (3), non-coding transcript variant (1).
Genome position (GRCh38, 1-based): chr11:61,962,720-61,962,730, CTTGATGGAGC duplicated; duplicating any 11 consecutive bases within chr11:61,962,718-61,962,730 gives the same sequence; the c. name uses the placement nearest the transcript's 3' end. VCF-style (leftmost placement, unchanged base first): chr11-61962717-G-GGCCTTGATGGA. GRCh37 (hg19) VCF-style: chr11-61730189-G-GGCCTTGATGGA.
Other names: c.1386_1396dup, p.His466Profs (NM_001139443.3); c.1305_1315dup, p.His439delinsProTer (NM_001300786.2); c.1386_1396dup, p.His466delinsProTer (NM_001300787.2); c.1248_1258dup, p.His420Profs (NM_001363591.3); c.*461_*471dup (NM_001363592.2); c.594_604dup, p.His202Profs (NM_001363593.3).
Identifiers: ClinVar variation 1323978 (VCV001323978.9), dbSNP rs1389863115, ClinGen allele CA599796033.

ClinVar aggregate classification (germline): Pathogenic/Likely pathogenic. Review status: criteria provided, multiple submitters, no conflicts (2 of 4 stars). 4 submissions from 4 submitters: Pathogenic (2); Likely pathogenic (2). Last evaluated 2025-07-07.

Conditions:
Stargardt disease (FFM). Also called: Fundus flavimaculatus; Stargardt's disease. Identifiers: Orphanet 827, MedGen C0271093, MONDO:0019353.
BEST1-related disorder. Also called: BEST1-related condition; BEST1-related disorders. Identifiers: MedGen CN239200.

Submissions (4):

Labcorp Genetics (formerly Invitae), Labcorp
Classification: Pathogenic. Last evaluated: 2025-07-07. Review status: criteria provided, single submitter. Criteria: Invitae Variant Classification Sherloc (09022015). Collection method: clinical testing. Allele origin: germline.
Comment: This sequence change creates a premature translational stop signal (p.His526Profs*2) in the BEST1 gene. It is expected to result in an absent or disrupted protein product. Loss-of-function variants in BEST1 are known to be pathogenic (PMID: 21825197). This variant is present in population databases (no rsID available, gnomAD 0.003%). This variant has not been reported in the literature in individuals affected with BEST1-related conditions. ClinVar contains an entry for this variant (Variation ID: 1323978). For these reasons, this variant has been classified as Pathogenic.

DBGen Ocular Genomics
Classification: Pathogenic for Stargardt disease. Last evaluated: 2023-01-01. Review status: criteria provided, single submitter. Criteria: ACMG Guidelines, 2015. Collection method: clinical testing. Allele origin: unknown. Inheritance: Autosomal recessive inheritance. Affected: yes.
Comment: Class 5 ACMG Guidelines, 2015 (PMID:25741868)

Blueprint Genetics
Classification: Likely pathogenic for BEST1-related disorders. Last evaluated: 2022-12-13. Review status: criteria provided, single submitter. Criteria: ACMG Guidelines, 2015. Collection method: clinical testing. Allele origin: germline. Affected: yes. Observed: 2 variant alleles.

Revvity Omics, Revvity
Classification: Likely pathogenic. Last evaluated: 2021-04-19. Review status: criteria provided, single submitter. Criteria: ACMG Guidelines, 2015. Collection method: clinical testing. Allele origin: germline.

Literature cited by the submitters: PubMed 21825197 (cited by Labcorp Genetics (formerly Invitae), Labcorp).